The following is an entry in ClinVar:

ClinVar aggregate classification (germline): Uncertain significance (1 of 4 stars; one submission).

Conditions:
Developmental and epileptic encephalopathy, 23 (DEE23). Also called: Epileptic encephalopathy, early infantile, 23. Identifiers: Orphanet 411986, MedGen C4014492, MONDO:0014371, OMIM 615859.

Allele frequency attached by ClinVar (database versions not stated): gnomAD exomes below 0.00001.
gnomAD v4.1: 2 of 1,613,912 alleles (0.00012%); highest among the groups gnomAD compares: Non-Finnish European, 0.000085%; no homozygotes.

Submission:

Labcorp Genetics (formerly Invitae), Labcorp
Classification: Uncertain significance for Developmental and epileptic encephalopathy, 23. Last evaluated: 2022-06-29. Review status: criteria provided, single submitter. Criteria: Invitae Variant Classification Sherloc (09022015). Collection method: clinical testing. Allele origin: germline.
Comment: This variant is not present in population databases (gnomAD no frequency). This sequence change replaces proline, which is neutral and non-polar, with serine, which is neutral and polar, at codon 2038 of the DOCK7 protein (p.Pro2038Ser). In summary, the available evidence is currently insufficient to determine the role of this variant in disease. Therefore, it has been classified as a Variant of Uncertain Significance. Algorithms developed to predict the effect of missense changes on protein structure and function (SIFT, PolyPhen-2, Align-GVGD) all suggest that this variant is likely to be tolerated. This variant has not been reported in the literature in individuals affected with DOCK7-related conditions.

NM_001367561.1(DOCK7):c.6145C>T (p.Pro2049Ser)

Gene: DOCK7 (dedicator of cytokinesis 7; minus strand). Cytogenetic location: 1p31.3.
Variant type: single nucleotide variant.
Coding change: c.6145C>T on transcript NM_001367561.1 (MANE Select); coding-DNA position 6145, C replaced by T.
Protein change: p.Pro2049Ser; replaces proline 2049 with serine.
Molecular consequence: missense variant.
Genome position (GRCh38, 1-based): chr1:62,474,049, G>A on the plus strand (C>T on the coding strand, the complement: DOCK7 is on the minus strand). VCF-style: chr1-62474049-G-A. GRCh37 (hg19) VCF-style: chr1-62939720-G-A.
Other names: c.6112C>T, p.Pro2038Ser (NM_001271999.2); c.6025C>T, p.Pro2009Ser (NM_001272000.2); c.6019C>T, p.Pro2007Ser (NM_001272001.2); c.6118C>T, p.Pro2040Ser (NM_001330614.2); c.6052C>T, p.Pro2018Ser (NM_033407.4); short protein forms P2018S, P2007S, P2009S, P2049S, P2038S, P2040S.
Identifiers: ClinVar variation 1968432 (VCV001968432.5), dbSNP rs2523703262, ClinGen allele CA340601729.
Genomic context (GRCh38, chr1:62,474,049, plus strand): 5'-TAAAATCTTTAAAGCAGAGTCGCAGTTTATTATGATGTCTGAAGAGCTTTGGGTCACTAG[G>A]TATTTCAGACAGAAAAACCTGGGCAACTTCCAAAGGCCCCTGCAAAATAAGAAAATAAGA-3'
Protein context (NP_001354490.1, residues 2039-2059): EVAQVFLSEI[Pro2049Ser]SDPKLFRHHN